The following is an entry in ClinVar:

NM_001358263.1(HK1):c.75+5173C>T

Gene: HK1 (hexokinase 1; plus strand). Cytogenetic location: 10q22.1.
Variant type: single nucleotide variant.
Coding change: c.75+5173C>T on transcript NM_001358263.1 (MANE Plus Clinical); 5173 bases into the intron after coding-DNA position 75, C replaced by T.
Molecular consequence: intron variant. On other transcripts: missense variant (1).
Genome position (GRCh38, 1-based): chr10:69,300,853, C>T. VCF-style: chr10-69300853-C-T. GRCh37 (hg19) VCF-style: chr10-71060609-C-T.
Other names: c.19C>T, p.His7Tyr (NM_033500.2); c.168+5173C>T (NM_001322365.2); c.75+5173C>T (NM_033498.3, NM_033497.3, NM_001322364.2); short protein forms H7Y.
Identifiers: ClinVar variation 4821389 (VCV004821389.6).

ClinVar aggregate classification (germline): Likely benign. Review status: criteria provided, multiple submitters, no conflicts (2 of 4 stars). 3 submissions from 3 submitters: Likely benign (3). Last evaluated 2026-03-23.

Conditions:
HK1-related disorder. Also called: HK1-related condition; HK1-related disorders.

Submissions (3):

PreventionGenetics, part of Exact Sciences
Classification: Likely benign for HK1-related condition. Last evaluated: 2026-03-23. Review status: criteria provided, single submitter. Criteria: ACMG Guidelines, 2015. Collection method: clinical testing. Allele origin: germline.
Comment: This variant is classified as likely benign based on ACMG/AMP sequence variant interpretation guidelines (Richards et al. 2015 PMID: 25741868, with internal and published modifications).

CeGaT Center for Human Genetics Tuebingen
Classification: Likely benign. Last evaluated: 2026-03-01. Review status: criteria provided, single submitter. Criteria: CeGaT Center For Human Genetics Tuebingen Variant Classification Criteria Version 2. Collection method: clinical testing. Allele origin: germline. Affected: yes. Observed: 1 variant allele.
Comment: HK1: BP4

Blueprint Genetics
Classification: Likely benign. Last evaluated: 2024-11-22. Review status: criteria provided, single submitter. Criteria: ACMG Guidelines, 2015. Collection method: clinical testing. Allele origin: germline.